The following is an entry in ClinVar:

NM_006662.3(SRCAP):c.5631C>G (p.Pro1877=)

Gene: SRCAP (Snf2 related CREBBP activator protein; plus strand). Cytogenetic location: 16p11.2.
Variant type: single nucleotide variant.
Coding change: c.5631C>G on transcript NM_006662.3 (MANE Select); coding-DNA position 5631, C replaced by G.
Protein change: p.Pro1877=; no amino-acid change (proline 1877 retained).
Molecular consequence: synonymous variant.
Genome position (GRCh38, 1-based): chr16:30,725,055, C>G. VCF-style: chr16-30725055-C-G. GRCh37 (hg19) VCF-style: chr16-30736376-C-G.
Identifiers: ClinVar variation 195887 (VCV000195887.29), dbSNP rs147477244, ClinGen allele CA202005.

ClinVar aggregate classification (germline): Benign/Likely benign. Review status: criteria provided, multiple submitters, no conflicts (2 of 4 stars). 5 submissions from 5 submitters: Benign (3); Likely benign (2). Last evaluated 2026-06-01.

Allele frequency attached by ClinVar (database versions not stated): ExAC 0.00093; gnomAD 0.00233; 1000 Genomes Project 30x 0.00250; 1000 Genomes Project 0.00260; TOPMed 0.00293; ESP Exome Variant Server 0.00301.
gnomAD v4.1: 1,073 of 1,612,522 alleles (0.067%); highest among the groups gnomAD compares: African/African-American, 0.69%; 4 homozygotes.

Submissions (5):

CeGaT Center for Human Genetics Tuebingen
Classification: Likely benign. Last evaluated: 2026-06-01. Review status: criteria provided, single submitter. Criteria: CeGaT Center For Human Genetics Tuebingen Variant Classification Criteria Version 2. Collection method: clinical testing. Allele origin: germline. Affected: yes. Observed: 7 variant alleles.
Comment: SRCAP: BP4, BP7

Women's Health and Genetics/Laboratory Corporation of America, LabCorp
Classification: Likely benign. Last evaluated: 2026-05-14. Review status: criteria provided, single submitter. Criteria: LabCorp Variant Classification Summary - May 2015. Collection method: clinical testing. Allele origin: germline.

Labcorp Genetics (formerly Invitae), Labcorp
Classification: Benign. Last evaluated: 2026-01-01. Review status: criteria provided, single submitter. Criteria: Invitae Variant Classification Sherloc (09022015). Collection method: clinical testing. Allele origin: germline.

Blueprint Genetics
Classification: Benign. Last evaluated: 2024-11-18. Review status: criteria provided, single submitter. Criteria: ACMG Guidelines, 2015. Collection method: clinical testing. Allele origin: germline.

Eurofins Ntd Llc (ga)
Classification: Benign. Last evaluated: 2015-01-27. Review status: criteria provided, single submitter. Criteria: EGL Classification Definitions 2015. Collection method: clinical testing. Allele origin: germline. Observed: 2 variant alleles, 2 heterozygotes.